The following is an entry in ClinVar:

ClinVar aggregate classification (germline): Pathogenic (1 of 4 stars; one submission).

gnomAD v4.1: 22 of 1,613,614 alleles (0.0014%); highest among the groups gnomAD compares: South Asian, 0.022%; no homozygotes.

Submission:

Labcorp Genetics (formerly Invitae), Labcorp
Classification: Pathogenic. Last evaluated: 2024-08-05. Review status: criteria provided, single submitter. Criteria: Invitae Variant Classification Sherloc (09022015). Collection method: clinical testing. Allele origin: germline.
Comment: This sequence change creates a premature translational stop signal (p.Trp1353*) in the DOCK6 gene. It is expected to result in an absent or disrupted protein product. Loss-of-function variants in DOCK6 are known to be pathogenic (PMID: 21820096, 25824905). This variant is present in population databases (rs755947917, gnomAD 0.02%). This variant has not been reported in the literature in individuals affected with DOCK6-related conditions. For these reasons, this variant has been classified as Pathogenic.

Literature cited by the submitters: PubMed 21820096; PubMed 25824905.

NM_020812.4(DOCK6):c.4058G>A (p.Trp1353Ter)

Genes: DOCK6 (dedicator of cytokinesis 6; minus strand), DOCK6-AS1 (DOCK6 antisense RNA 1; plus strand). Cytogenetic location: 19p13.2.
Variant type: single nucleotide variant.
Coding change: c.4058G>A on transcript NM_020812.4 (MANE Select); coding-DNA position 4058, G replaced by A.
Protein change: p.Trp1353Ter; replaces tryptophan 1353 with a stop codon.
Molecular consequence: nonsense.
Genome position (GRCh38, 1-based): chr19:11,215,435, C>T on the plus strand (G>A on the coding strand, the complement: DOCK6 is on the minus strand). VCF-style: chr19-11215435-C-T. GRCh37 (hg19) VCF-style: chr19-11326111-C-T.
Other names: c.4163G>A, p.Trp1388Ter (NM_001367830.1); short protein forms W1353*, W1388*.
Identifiers: ClinVar variation 3700877 (VCV003700877.2).